The following is an entry in ClinVar:

NM_005359.6(SMAD4):c.1541C>T (p.Pro514Leu)

Gene: SMAD4 (SMAD family member 4; plus strand). Cytogenetic location: 18q21.2.
Variant type: single nucleotide variant.
Coding change: c.1541C>T on transcript NM_005359.6 (MANE Select); coding-DNA position 1541, C replaced by T.
Protein change: p.Pro514Leu; replaces proline 514 with leucine.
Molecular consequence: missense variant. On other transcripts: non-coding transcript variant (1).
Genome position (GRCh38, 1-based): chr18:51,078,349, C>T. VCF-style: chr18-51078349-C-T. GRCh37 (hg19) VCF-style: chr18-48604719-C-T.
Other names: c.1541C>T, p.Pro514Leu (NM_001407041.1, NM_001407042.1); short protein forms P514L.
Identifiers: ClinVar variation 3070004 (VCV003070004.2), dbSNP rs1282106789, ClinGen allele CA402465993.
Genomic context (GRCh38, chr18:51,078,349, plus strand): 5'-ACCTTCGTCGCTTATGCATACTCAGGATGAGTTTTGTGAAAGGCTGGGGACCGGATTACC[C>T]AAGACAGAGCATCAAAGAAACACCTTGCTGGATTGAAATTCACTTACACCGGGCCCTCCA-3'
Protein context (NP_005350.1, residues 504-524): SFVKGWGPDY[Pro514Leu]RQSIKETPCW

ClinVar aggregate classification (germline): Uncertain significance. Review status: criteria provided, multiple submitters, no conflicts (2 of 4 stars). 2 submissions from 2 submitters: Uncertain significance (2). Last evaluated 2025-09-28.

Conditions:
Juvenile polyposis/hereditary hemorrhagic telangiectasia syndrome (JPHT). Also called: Juvenile Polyposis Syndrome / Hereditary Hemorrhagic Telangiectasia (JPS/HHT); JP/HHT SYNDROME; JUVENILE POLYPOSIS WITH HEREDITARY HEMORRHAGIC TELANGIECTASIA; POLYPOSIS, GENERALIZED JUVENILE, WITH PULMONARY ARTERIOVENOUS MALFORMATION; TELANGIECTASIA, HEREDITARY HEMORRHAGIC, WITH JUVENILE POLYPOSIS COLI. Identifiers: Orphanet 2929, MedGen C1832942, MONDO:0008278, OMIM 175050.
Familial thoracic aortic aneurysm and aortic dissection (TAAD). Also called: Thoracic aortic aneurysms and dissections. Identifiers: Orphanet 91387, MedGen C4707243, MONDO:0019625.
Hereditary cancer-predisposing syndrome. Also called: Neoplastic Syndromes, Hereditary; Tumor predisposition; Hereditary neoplastic syndrome; Hereditary Cancer Syndrome. Identifiers: Orphanet 140162, MedGen C0027672, MeSH D009386, MONDO:0015356.

Allele frequency attached by ClinVar (database versions not stated): gnomAD exomes below 0.00001; gnomAD 0.00001; TOPMed 0.00002.
gnomAD v4.1: 2 of 1,614,046 alleles (0.00012%); highest among the groups gnomAD compares: African/African-American, 0.0013%; no homozygotes.

Submissions (2):

Ambry Genetics
Classification: Uncertain significance for Hereditary cancer-predisposing syndrome; Familial thoracic aortic aneurysm and aortic dissection. Last evaluated: 2025-09-28. Review status: criteria provided, single submitter. Criteria: Ambry Variant Classification Scheme 2023. Collection method: clinical testing. Allele origin: germline.
Comment: The p.P514L variant (also known as c.1541C>T), located in coding exon 11 of the SMAD4 gene, results from a C to T substitution at nucleotide position 1541. The proline at codon 514 is replaced by leucine, an amino acid with similar properties. This amino acid position is conserved. In addition, this alteration is predicted to be deleterious by in silico analysis. Based on the available evidence, the clinical significance of this variant remains unclear.

All of Us Research Program, National Institutes of Health
Classification: Uncertain significance for Juvenile polyposis/hereditary hemorrhagic telangiectasia syndrome. Last evaluated: 2023-03-28. Review status: criteria provided, single submitter. Criteria: ACMG Guidelines, 2015. Collection method: clinical testing. Allele origin: germline. Inheritance: Autosomal dominant inheritance. Observed: 1 variant allele, 1 heterozygote.
Comment: This study involves interpretation of variants in research participants for the purpose of population health screening. Participant phenotype was not available at the time of variant classification. Additional details can be found in publication PMID: 35346344, PMCID: PMC8962531